The following is an entry in ClinVar:

ClinVar aggregate classification (germline): Benign. Review status: criteria provided, multiple submitters, no conflicts (2 of 4 stars). 3 submissions from 3 submitters: Benign (3). Last evaluated 2026-01-19.

Conditions:
Methylmalonate semialdehyde dehydrogenase deficiency (MMSDHD). Also called: MMSDH DEFICIENCY. Identifiers: Orphanet 289307, MedGen C3279840, MONDO:0013579, OMIM 614105.

Allele frequency attached by ClinVar (database versions not stated): TOPMed 0.00113; ESP Exome Variant Server 0.00008; 1000 Genomes Project 0.00140; gnomAD 0.00038; 1000 Genomes Project 30x 0.00125.
gnomAD v4.1: 986 of 1,606,506 alleles (0.061%); highest among the groups gnomAD compares: Admixed American, 1.5%; 13 homozygotes.

Submissions (3):

Labcorp Genetics (formerly Invitae), Labcorp
Classification: Benign. Last evaluated: 2026-01-19. Review status: criteria provided, single submitter. Criteria: Invitae Variant Classification Sherloc (09022015). Collection method: clinical testing. Allele origin: germline.

Illumina Laboratory Services, Illumina
Classification: Benign for Methylmalonate semialdehyde dehydrogenase deficiency. Last evaluated: 2018-01-13. Review status: criteria provided, single submitter. Criteria: ICSL Variant Classification Criteria 13 December 2019. Collection method: clinical testing. Allele origin: germline.
Comment: This variant was observed in the ICSL laboratory as part of a predisposition screen in an ostensibly healthy population. It had not been previously curated by ICSL or reported in the Human Gene Mutation Database (HGMD: prior to June 1st, 2018), and was therefore a candidate for classification through an automated scoring system. Utilizing variant allele frequency, disease prevalence and penetrance estimates, and inheritance mode, an automated score was calculated to assess if this variant is too frequent to cause the disease. Based on the score and internal cut-off values, a variant classified as benign is not then subjected to further curation. The score for this variant resulted in a classification of benign for this disease.

Breakthrough Genomics
Classification: Benign. Review status: criteria provided, single submitter. Criteria: ACMG Guidelines, 2015. Collection method: not provided. Allele origin: germline. Inheritance: Autosomal recessive inheritance. Affected: yes.

NM_005589.4(ALDH6A1):c.1604G>A (p.Arg535His)

Genes: ALDH6A1 (aldehyde dehydrogenase 6 family member A1; minus strand), BBOF1 (basal body orientation factor 1; plus strand). Cytogenetic location: 14q24.3.
Variant type: single nucleotide variant.
Coding change: c.1604G>A on transcript NM_005589.4 (MANE Select); coding-DNA position 1604, G replaced by A.
Protein change: p.Arg535His; replaces arginine 535 with histidine.
Molecular consequence: missense variant. On other transcripts: intron variant (1).
Genome position (GRCh38, 1-based): chr14:74,060,646, C>T on the plus strand (G>A on the coding strand, the complement: ALDH6A1 is on the minus strand). VCF-style: chr14-74060646-C-T. GRCh37 (hg19) VCF-style: chr14-74527349-C-T.
Other names: c.1565G>A, p.Arg522His (NM_001278593.2); c.1142G>A, p.Arg381His (NM_001278594.2); c.1578+3388C>T (NM_025057.3); short protein forms R535H, R381H, R522H.
Identifiers: ClinVar variation 314168 (VCV000314168.14), dbSNP rs183066442, ClinGen allele CA7265562.
Genomic context (GRCh38, chr14:74,060,646, plus strand): 5'-GGTCAAAAATAAAGGGAGATTACTCAGGATGGAGTCAGTCTTAAACAAACTTGTTTCTAA[C>T]GGCCCATGGTAGGCATGACAACAGCAGGTGAGGAAAGAGTAGCATCTTCTTCTTTCCACT-3'
Protein context (NP_005580.1, residues 525-535): SPAVVMPTMG[Arg535His]